The following is an entry in ClinVar:

NM_005862.3(STAG1):c.2037+4T>G

Gene: STAG1 (STAG1 cohesin complex component; minus strand). Cytogenetic location: 3q22.3.
Variant type: single nucleotide variant.
Coding change: c.2037+4T>G on transcript NM_005862.3 (MANE Select); 4 bases into the intron after coding-DNA position 2037, T replaced by G.
Molecular consequence: intron variant.
Genome position (GRCh38, 1-based): chr3:136,422,406, A>C on the plus strand (T>G on the coding strand, the complement: STAG1 is on the minus strand). VCF-style: chr3-136422406-A-C. GRCh37 (hg19) VCF-style: chr3-136141248-A-C.
Identifiers: ClinVar variation 3646621 (VCV003646621.2).

ClinVar aggregate classification (germline): Uncertain significance (1 of 4 stars; one submission).

gnomAD v4.1: 1 of 1,613,716 alleles (0.000062%); highest among the groups gnomAD compares: Non-Finnish European, 0.000085%; no homozygotes.

Submission:

Labcorp Genetics (formerly Invitae), Labcorp
Classification: Uncertain significance. Last evaluated: 2024-03-18. Review status: criteria provided, single submitter. Criteria: Invitae Variant Classification Sherloc (09022015). Collection method: clinical testing. Allele origin: germline.
Comment: This sequence change falls in intron 19 of the STAG1 gene. It does not directly change the encoded amino acid sequence of the STAG1 protein. It affects a nucleotide within the consensus splice site. This variant is not present in population databases (gnomAD no frequency). This variant has not been reported in the literature in individuals affected with STAG1-related conditions. Variants that disrupt the consensus splice site are a relatively common cause of aberrant splicing (PMID: 17576681, 9536098). Algorithms developed to predict the effect of sequence changes on RNA splicing suggest that this variant is not likely to affect RNA splicing. In summary, the available evidence is currently insufficient to determine the role of this variant in disease. Therefore, it has been classified as a Variant of Uncertain Significance.

Literature cited by the submitters: PubMed 17576681; PubMed 9536098.